The following is an entry in ClinVar:

NM_001353345.2(SETD1B):c.5432G>A (p.Ser1811Asn)

Gene: SETD1B (SET domain containing 1B, histone lysine methyltransferase; plus strand). Cytogenetic location: 12q24.31.
Variant type: single nucleotide variant.
Coding change: c.5432G>A on transcript NM_001353345.2 (MANE Select); coding-DNA position 5432, G replaced by A.
Protein change: p.Ser1811Asn; replaces serine 1811 with asparagine.
Molecular consequence: missense variant.
Genome position (GRCh38, 1-based): chr12:121,827,613, G>A. VCF-style: chr12-121827613-G-A. GRCh37 (hg19) VCF-style: chr12-122265519-G-A.
Other names: short protein forms S1811N.
Identifiers: ClinVar variation 4853991 (VCV004853991.1).

ClinVar aggregate classification (germline): Uncertain significance (1 of 4 stars; one submission).

Conditions:
Intellectual developmental disorder with seizures and language delay (IDDSELD). Identifiers: MedGen C5436574, MONDO:0033559, OMIM 619000.

gnomAD v4.1: 1 of 1,551,332 alleles (0.000064%); highest among the groups gnomAD compares: Admixed American, 0.002%; no homozygotes.

Submission:

3billion
Classification: Uncertain significance for Intellectual developmental disorder with seizures and language delay. Last evaluated: 2025-08-12. Review status: criteria provided, single submitter. Criteria: ACMG Guidelines, 2015. Collection method: clinical testing. Allele origin: germline. Affected: yes.
Comment: The variant is observed at an extremely low frequency in the gnomAD v4.1.0 dataset (total allele frequency: <0.001%). Predicted Consequence/Location: Missense variant In silico tool predictions suggest damaging effect of the variant on gene or gene product [REVEL: 0.61 (>=0.6, sensitivity 0.68 and specificity 0.92); 3Cnet: 0.99 (> 0.75, sensitivity 0.96 and precision 0.92)]. Therefore, this variant is classified as VUS according to the recommendation of ACMG/AMP guideline.